The following is an entry in ClinVar:

NM_181712.5(KANK4):c.1080C>T (p.Thr360=)

Gene: KANK4 (KN motif and ankyrin repeat domains 4; minus strand). Cytogenetic location: 1p31.3.
Variant type: single nucleotide variant.
Coding change: c.1080C>T on transcript NM_181712.5 (MANE Select); coding-DNA position 1080, C replaced by T.
Protein change: p.Thr360=; no amino-acid change (threonine 360 retained).
Molecular consequence: synonymous variant. On other transcripts: intron variant (1).
Genome position (GRCh38, 1-based): chr1:62,274,024, G>A on the plus strand (C>T on the coding strand, the complement: KANK4 is on the minus strand). VCF-style: chr1-62274024-G-A. GRCh37 (hg19) VCF-style: chr1-62739696-G-A.
Other names: c.17-2435C>T (NM_001320269.2); c.1080C>T (NM_181712.4).
Identifiers: ClinVar variation 2055742 (VCV002055742.6), dbSNP rs200484535, ClinGen allele CA884444.
Genomic context (GRCh38, chr1:62,274,024, plus strand): 5'-CCTAGCTTTGATTTCCTCTTCCTGCTGCTGGAGAGCAGTTCTGACCTGTGCCAGTTCCTC[G>A]GTTCTTCCAGACAACTCTCCCTCCAGGGCCGAGACCTGCTGTTTCAGGCTGGAGATGCTG-3'
Protein context (NP_859063.3, residues 350-370): SALEGELSGR[Thr360=]EELAQVRTAL

ClinVar aggregate classification (germline): Likely benign. Review status: criteria provided, single submitter (1 of 4 stars). 2 submissions from 2 submitters: Likely benign (1). 1 of the submissions does not count toward it. Last evaluated 2022-04-20.

Conditions:
KANK4-related disorder. Also called: KANK4-related condition.

Allele frequency attached by ClinVar (database versions not stated): gnomAD 0.00019; ESP Exome Variant Server 0.00008; ExAC 0.00031; 1000 Genomes Project 0.00020; 1000 Genomes Project 30x 0.00047.
gnomAD v4.1: 238 of 1,614,108 alleles (0.015%); highest among the groups gnomAD compares: South Asian, 0.16%; no homozygotes.

Submissions (2):

Labcorp Genetics (formerly Invitae), Labcorp
Classification: Likely benign. Last evaluated: 2022-04-20. Review status: criteria provided, single submitter. Criteria: Invitae Variant Classification Sherloc (09022015). Collection method: clinical testing. Allele origin: germline.

PreventionGenetics, part of Exact Sciences
Classification: Likely benign for KANK4-related condition. Last evaluated: 2024-02-16. Review status: no assertion criteria provided. Collection method: clinical testing. Allele origin: germline. Not counted in ClinVar's aggregate classification.
Comment: This variant is classified as likely benign based on ACMG/AMP sequence variant interpretation guidelines (Richards et al. 2015 PMID: 25741868, with internal and published modifications).